The following is an entry in ClinVar:

ClinVar aggregate classification (germline): Likely benign (1 of 4 stars; one submission).

Allele frequency attached by ClinVar (database versions not stated): 1000 Genomes Project 30x 0.00016; 1000 Genomes Project 0.00020.

Submission:

CeGaT Center for Human Genetics Tuebingen
Classification: Likely benign. Last evaluated: 2024-11-01. Review status: criteria provided, single submitter. Criteria: CeGaT Center For Human Genetics Tuebingen Variant Classification Criteria Version 2. Collection method: clinical testing. Allele origin: germline. Affected: yes. Observed: 2 variant alleles.
Comment: CACNA1G: BP4, BP7

NM_018896.5(CACNA1G):c.3168G>A (p.Thr1056=)

Gene: CACNA1G (calcium voltage-gated channel subunit alpha1 G; plus strand). Cytogenetic location: 17q21.33.
Variant type: single nucleotide variant.
Coding change: c.3168G>A on transcript NM_018896.5 (MANE Select); coding-DNA position 3168, G replaced by A.
Protein change: p.Thr1056=; no amino-acid change (threonine 1056 retained).
Molecular consequence: synonymous variant. On other transcripts: non-coding transcript variant (5).
Genome position (GRCh38, 1-based): chr17:50,596,833, G>A. VCF-style: chr17-50596833-G-A. GRCh37 (hg19) VCF-style: chr17-48674194-G-A.
Other names: c.3168G>A, p.Thr1056= (NM_001256324.2, NM_001256325.2, NM_001256326.2 and 16 more transcripts); c.3099G>A, p.Thr1033= (NM_001256332.2, NM_198376.3, NM_198379.3 and 5 more transcripts).
Identifiers: ClinVar variation 2647908 (VCV002647908.24), dbSNP rs575671938, ClinGen allele CA8652647.